The following is an entry in ClinVar:

ClinVar aggregate classification (germline): Pathogenic (1 of 4 stars; one submission).

Conditions:
Ataxia-telangiectasia syndrome (AT). Also called: Ataxia-telangiectasia; LOUIS-BAR SYNDROME; Ataxia-telangiectasia, complementation group D; AT, COMPLEMENTATION GROUP C; ATAXIA-TELANGIECTASIA, COMPLEMENTATION GROUP A; ATAXIA-TELANGIECTASIA, FRESNO VARIANT. Identifiers: Orphanet 100, MedGen C0004135, MONDO:0008840, OMIM 208900.

Submission:

Labcorp Genetics (formerly Invitae), Labcorp
Classification: Pathogenic for Ataxia-telangiectasia syndrome. Last evaluated: 2021-03-22. Review status: criteria provided, single submitter. Criteria: Invitae Variant Classification Sherloc (09022015). Collection method: clinical testing. Allele origin: germline.
Comment: For these reasons, this variant has been classified as Pathogenic. Algorithms developed to predict the effect of sequence changes on RNA splicing suggest that this variant may create or strengthen a splice site, but this prediction has not been confirmed by published transcriptional studies. This variant has been observed in individual(s) with breast cancer (PMID: 30287823). This variant is not present in population databases (ExAC no frequency). This sequence change creates a premature translational stop signal (p.Tyr2833*) in the ATM gene. It is expected to result in an absent or disrupted protein product. Loss-of-function variants in ATM are known to be pathogenic (PMID: 23807571, 25614872).

Literature cited by the submitters: PubMed 30287823; PubMed 23807571; PubMed 25614872.

NM_000051.4(ATM):c.8499C>G (p.Tyr2833Ter)

Genes: ATM (ATM serine/threonine kinase; plus strand), C11orf65 (chromosome 11 open reading frame 65; minus strand). Cytogenetic location: 11q22.3.
Variant type: single nucleotide variant.
Coding change: c.8499C>G on transcript NM_000051.4 (MANE Select); coding-DNA position 8499, C replaced by G.
Protein change: p.Tyr2833Ter; replaces tyrosine 2833 with a stop codon.
Molecular consequence: nonsense. On other transcripts: intron variant (2).
Genome position (GRCh38, 1-based): chr11:108,345,823, C>G. VCF-style: chr11-108345823-C-G. GRCh37 (hg19) VCF-style: chr11-108216550-C-G.
Other names: c.8499C>G, p.Tyr2833Ter (NM_001351834.2); c.641-36752G>C (NM_001330368.2); c.695-10531G>C (NM_001351110.2); short protein forms Y2833*.
Identifiers: ClinVar variation 1440547 (VCV001440547.8), dbSNP rs2137031313, ClinGen allele CA382518132.
Genomic context (GRCh38, chr11:108,345,823, plus strand): 5'-TGAAGAGAAATATGAAGTCTTCATGGATGTTTGCCAAAATTTTCAACCAGTTTTCCGTTA[C>G]TTCTGCATGGAAAAATTCTTGGATCCAGCTATTTGGTTTGAGAAGCGATTGGCTTATACG-3'